The following is an entry in ClinVar:

NM_198834.3(ACACA):c.2207G>A (p.Gly736Asp)

Gene: ACACA (acetyl-CoA carboxylase alpha; minus strand). Cytogenetic location: 17q12.
Variant type: single nucleotide variant.
Coding change: c.2207G>A on transcript NM_198834.3 (MANE Select); coding-DNA position 2207, G replaced by A.
Protein change: p.Gly736Asp; replaces glycine 736 with aspartic acid.
Molecular consequence: missense variant.
Genome position (GRCh38, 1-based): chr17:37,248,113, C>T on the plus strand (G>A on the coding strand, the complement: ACACA is on the minus strand). VCF-style: chr17-37248113-C-T. GRCh37 (hg19) VCF-style: chr17-35605037-C-T.
Other names: c.2096G>A, p.Gly699Asp (NM_198836.3, NM_198839.3); c.1922G>A, p.Gly641Asp (NM_198837.2); c.1862G>A, p.Gly621Asp (NM_198838.2); short protein forms G736D, G621D, G641D, G699D.
Identifiers: ClinVar variation 2762582 (VCV002762582.3), dbSNP rs747456606, ClinGen allele CA8515631.

ClinVar aggregate classification (germline): Uncertain significance (1 of 4 stars; one submission).

Allele frequency attached by ClinVar (database versions not stated): ExAC 0.00001.
gnomAD v4.1: 1 of 1,614,030 alleles (0.000062%); highest among the groups gnomAD compares: Non-Finnish European, 0.000085%; no homozygotes.

Submission:

Labcorp Genetics (formerly Invitae), Labcorp
Classification: Uncertain significance. Last evaluated: 2025-10-18. Review status: criteria provided, single submitter. Criteria: Invitae Variant Classification Sherloc (09022015). Collection method: clinical testing. Allele origin: germline.
Comment: This sequence change replaces glycine, which is neutral and non-polar, with aspartic acid, which is acidic and polar, at codon 699 of the ACACA protein (p.Gly699Asp). This variant is present in population databases (rs747456606, gnomAD 0.0009%). This variant has not been reported in the literature in individuals affected with ACACA-related conditions. ClinVar contains an entry for this variant (Variation ID: 2762582). An algorithm developed to predict the effect of missense changes on protein structure and function (PolyPhen-2) suggests that this variant is likely to be tolerated. In summary, the available evidence is currently insufficient to determine the role of this variant in disease. Therefore, it has been classified as a Variant of Uncertain Significance.